The following is an entry in ClinVar:

ClinVar aggregate classification (germline): Pathogenic (1 of 4 stars; one submission).

Conditions:
Congenital myasthenic syndrome 8. Also called: MYASTHENIC SYNDROME, CONGENITAL, DUE TO AGRIN DEFICIENCY; Myasthenic syndrome, congenital, 8, with pre- and postsynaptic defects. Identifiers: Orphanet 590, MedGen C3808739, MONDO:0014052, OMIM 615120.

Submission:

Labcorp Genetics (formerly Invitae), Labcorp
Classification: Pathogenic for Congenital myasthenic syndrome 8. Last evaluated: 2021-12-20. Review status: criteria provided, single submitter. Criteria: Invitae Variant Classification Sherloc (09022015). Collection method: clinical testing. Allele origin: germline.
Comment: This variant has not been reported in the literature in individuals affected with AGRN-related conditions. This sequence change creates a premature translational stop signal (p.Ala1166Glyfs*71) in the AGRN gene. It is expected to result in an absent or disrupted protein product. Loss-of-function variants in AGRN are known to be pathogenic (PMID: 24951643). This variant is not present in population databases (gnomAD no frequency). For these reasons, this variant has been classified as Pathogenic.

Literature cited by the submitters: PubMed 24951643.

NM_198576.4(AGRN):c.3497_3500del (p.Ala1166fs)

Gene: AGRN (agrin; plus strand). Cytogenetic location: 1p36.33.
Variant type: Deletion.
Coding change: c.3497_3500del on transcript NM_198576.4 (MANE Select); coding-DNA positions 3497 to 3500, 4 bases deleted (CCAG; older notation c.3497_3500delCCAG).
Protein change: p.Ala1166fs; shifts the reading frame from alanine 1166.
Molecular consequence: frameshift variant.
Genome position (GRCh38, 1-based): chr1:1,047,435-1,047,438, CCAG deleted; deleting any 4 consecutive bases within chr1:1,047,432-1,047,438 gives the same sequence; the c. name uses the placement nearest the transcript's 3' end. VCF-style (leftmost placement, unchanged base first): chr1-1047431-ACAGC-A. GRCh37 (hg19) VCF-style: chr1-982811-ACAGC-A.
Other names: c.3497_3500del, p.Ala1166fs (NM_001305275.2); c.3182_3185del, p.Ala1061fs (NM_001364727.2); short protein forms A1061fs, A1166fs.
Identifiers: ClinVar variation 2050791 (VCV002050791.4), dbSNP rs2522737552, ClinGen allele CA2580061103.